The following is an entry in ClinVar:

NM_000065.5(C6):c.1169-4C>T

Gene: C6 (complement C6; minus strand). Cytogenetic location: 5p13.1.
Variant type: single nucleotide variant.
Coding change: c.1169-4C>T on transcript NM_000065.5 (MANE Select); 4 bases into the intron before coding-DNA position 1169, C replaced by T.
Molecular consequence: intron variant.
Genome position (GRCh38, 1-based): chr5:41,172,351, G>A on the plus strand (C>T on the coding strand, the complement: C6 is on the minus strand). VCF-style: chr5-41172351-G-A. GRCh37 (hg19) VCF-style: chr5-41172453-G-A.
Other names: c.1169-4C>T (NM_001115131.4).
Identifiers: ClinVar variation 780114 (VCV000780114.24), dbSNP rs200169349, ClinGen allele CA3252541.

ClinVar aggregate classification (germline): Benign/Likely benign. Review status: criteria provided, multiple submitters, no conflicts (2 of 4 stars). 4 submissions from 4 submitters: Benign (1); Likely benign (3). Last evaluated 2026-01-05.

Conditions:
C6-related disorder. Also called: C6-related condition.

Allele frequency attached by ClinVar (database versions not stated): gnomAD exomes 0.00011 and 0.00057; gnomAD 0.00019 and 0.00030; TOPMed 0.00029; ExAC 0.00052; 1000 Genomes Project 30x 0.00219; 1000 Genomes Project 0.00260.
gnomAD v4.1: 240 of 1,613,388 alleles (0.015%); highest among the groups gnomAD compares: East Asian, 0.39%; no homozygotes.

Submissions (4):

Labcorp Genetics (formerly Invitae), Labcorp
Classification: Benign. Last evaluated: 2026-01-05. Review status: criteria provided, single submitter. Criteria: Invitae Variant Classification Sherloc (09022015). Collection method: clinical testing. Allele origin: germline.

CeGaT Center for Human Genetics Tuebingen
Classification: Likely benign. Last evaluated: 2025-01-01. Review status: criteria provided, single submitter. Criteria: CeGaT Center For Human Genetics Tuebingen Variant Classification Criteria Version 2. Collection method: clinical testing. Allele origin: germline. Affected: yes. Observed: 1 variant allele.
Comment: C6: BP4

PreventionGenetics, part of Exact Sciences
Classification: Likely benign for C6-related condition. Last evaluated: 2024-10-31. Review status: criteria provided, single submitter. Criteria: ACMG Guidelines, 2015. Collection method: clinical testing. Allele origin: germline.
Comment: This variant is classified as likely benign based on ACMG/AMP sequence variant interpretation guidelines (Richards et al. 2015 PMID: 25741868, with internal and published modifications).

Blueprint Genetics
Classification: Likely benign. Last evaluated: 2024-10-28. Review status: criteria provided, single submitter. Criteria: ACMG Guidelines, 2015. Collection method: clinical testing. Allele origin: germline.